The following is an entry in ClinVar:

NM_033056.4(PCDH15):c.5827G>A (p.Gly1943Arg)

Gene: PCDH15 (protocadherin related 15; minus strand). Cytogenetic location: 10q21.1.
Variant type: single nucleotide variant.
Coding change: c.5827G>A on transcript NM_033056.4 (MANE Plus Clinical); coding-DNA position 5827, G replaced by A.
Protein change: p.Gly1943Arg; replaces glycine 1943 with arginine.
Molecular consequence: missense variant. On other transcripts: intron variant (8).
Genome position (GRCh38, 1-based): chr10:53,821,899, C>T on the plus strand (G>A on the coding strand, the complement: PCDH15 is on the minus strand). VCF-style: chr10-53821899-C-T. GRCh37 (hg19) VCF-style: chr10-55581659-C-T.
Other names: c.5848G>A, p.Gly1950Arg (NM_001142763.2); c.5833G>A, p.Gly1945Arg (NM_001142764.2); c.5620G>A, p.Gly1874Arg (NM_001142765.2); c.5818G>A, p.Gly1940Arg (NM_001142766.2); c.5707G>A, p.Gly1903Arg (NM_001142767.2); c.5767G>A, p.Gly1923Arg (NM_001142768.2); c.5758G>A, p.Gly1920Arg (NM_001142773.2); c.5761G>A, p.Gly1921Arg (NM_001354404.2); and 7 more; short protein forms G1921R, G1950R, G1874R, G1923R, G1940R, G1943R, G1903R, G1920R.
Identifiers: ClinVar variation 2161297 (VCV002161297.2), dbSNP rs2492336071, ClinGen allele CA376524125.
Genomic context (GRCh38, chr10:53,821,899, plus strand): 5'-TAAAATAAGAAAAGCAACATTACAGTGAAGTAGATTGACTGTGAGATTGTTTTTCAGTTC[C>T]CTCGACAATATTGTTCAAACTCCCCTTGTTTTGTTCAGATGTGATTTCCATATTTGTTAC-3'
Protein context (NP_149045.3, residues 1933-1953): NKGSLNNIVE[Gly1943Arg]TEKQSHSQST

ClinVar aggregate classification (germline): Uncertain significance (1 of 4 stars; one submission).

Allele frequency attached by ClinVar (database versions not stated): gnomAD exomes below 0.00001.
gnomAD v4.1: 1 of 1,613,524 alleles (0.000062%); highest among the groups gnomAD compares: African/African-American, 0.0013%; no homozygotes.

Submission:

Labcorp Genetics (formerly Invitae), Labcorp
Classification: Uncertain significance. Last evaluated: 2022-11-01. Review status: criteria provided, single submitter. Criteria: Invitae Variant Classification Sherloc (09022015). Collection method: clinical testing. Allele origin: germline.
Comment: In summary, the available evidence is currently insufficient to determine the role of this variant in disease. Therefore, it has been classified as a Variant of Uncertain Significance. Algorithms developed to predict the effect of missense changes on protein structure and function are either unavailable or do not agree on the potential impact of this missense change (SIFT: "Tolerated"; PolyPhen-2: "Not Available"; Align-GVGD: "Class C0"). This variant has not been reported in the literature in individuals affected with PCDH15-related conditions. This variant is not present in population databases (gnomAD no frequency). This sequence change replaces glycine, which is neutral and non-polar, with arginine, which is basic and polar, at codon 1943 of the PCDH15 protein (p.Gly1943Arg).